The following is an entry in ClinVar:

ClinVar aggregate classification (germline): Benign. Review status: criteria provided, single submitter (1 of 4 stars). 2 submissions from 2 submitters: Benign (1). 1 of the submissions does not count toward it. Last evaluated 2023-12-09.

Conditions:
CTU2-related disorder. Also called: CTU2-related condition.

Allele frequency attached by ClinVar (database versions not stated): TOPMed 0.00004; 1000 Genomes Project 30x 0.00016; 1000 Genomes Project 0.00020; gnomAD exomes 0.00031; ExAC 0.00067; gnomAD 0.00074.
gnomAD v4.1: 561 of 1,613,830 alleles (0.035%); highest among the groups gnomAD compares: Non-Finnish European, 0.0042%; 1 homozygote.

Submissions (2):

Labcorp Genetics (formerly Invitae), Labcorp
Classification: Benign. Last evaluated: 2023-12-09. Review status: criteria provided, single submitter. Criteria: Invitae Variant Classification Sherloc (09022015). Collection method: clinical testing. Allele origin: germline.

PreventionGenetics, part of Exact Sciences
Classification: Benign for CTU2-related condition. Last evaluated: 2019-05-02. Review status: no assertion criteria provided. Collection method: clinical testing. Allele origin: germline. Not counted in ClinVar's aggregate classification.
Comment: This variant is classified as benign based on ACMG/AMP sequence variant interpretation guidelines (Richards et al. 2015 PMID: 25741868, with internal and published modifications).

NM_001012759.3(CTU2):c.74A>C (p.Glu25Ala)

Gene: CTU2 (cytosolic thiouridylase subunit 2; plus strand). Cytogenetic location: 16q24.3.
Variant type: single nucleotide variant.
Coding change: c.74A>C on transcript NM_001012759.3 (MANE Select); coding-DNA position 74, A replaced by C.
Protein change: p.Glu25Ala; replaces glutamic acid 25 with alanine.
Molecular consequence: missense variant. On other transcripts: 5 prime UTR variant (1).
Genome position (GRCh38, 1-based): chr16:88,707,141, A>C. VCF-style: chr16-88707141-A-C. GRCh37 (hg19) VCF-style: chr16-88773549-A-C.
Other names: c.74A>C (NM_001012759.2); c.74A>C, p.Glu25Ala (NM_001012762.3, NM_001318507.2); c.-109A>C (NM_001318513.2); short protein forms E25A.
Identifiers: ClinVar variation 2906481 (VCV002906481.5), dbSNP rs199768298, ClinGen allele CA8229999.